The following is an entry in ClinVar:

ClinVar aggregate classification (germline): Likely benign. Review status: criteria provided, multiple submitters, no conflicts (2 of 4 stars). 2 submissions from 2 submitters: Likely benign (2). Last evaluated 2024-09-03.

Conditions:
Fanconi anemia complementation group J. Also called: BRIP1-Related Fanconi Anemia. Identifiers: Orphanet 84, MedGen C1836860, MONDO:0012187, OMIM 609054.
Familial cancer of breast. Also called: hereditary breast carcinoma; BREAST CANCER, FAMILIAL; Hereditary breast cancer. Identifiers: Orphanet 227535, MedGen C0346153, MONDO:0016419, OMIM 114480. Disease mechanism: loss of function.

Submissions (2):

Myriad Genetics, Inc.
Classification: Likely benign for Familial cancer of breast. Last evaluated: 2024-09-03. Review status: criteria provided, single submitter. Criteria: Myriad Autosomal Dominant, Autosomal Recessive and X-Linked Classification Criteria (2023). Collection method: clinical testing. Allele origin: unknown.
Comment: This variant is considered likely benign. This variant is intronic and is not expected to impact mRNA splicing.

Labcorp Genetics (formerly Invitae), Labcorp
Classification: Likely benign for Familial cancer of breast; Fanconi anemia complementation group J. Last evaluated: 2024-02-14. Review status: criteria provided, single submitter. Criteria: Invitae Variant Classification Sherloc (09022015). Collection method: clinical testing. Allele origin: germline.

NM_032043.3(BRIP1):c.2098-18T>C

Gene: BRIP1 (BRCA1 interacting DNA helicase 1; minus strand). Cytogenetic location: 17q23.2.
Variant type: single nucleotide variant.
Coding change: c.2098-18T>C on transcript NM_032043.3 (MANE Select); 18 bases into the intron before coding-DNA position 2098, T replaced by C.
Molecular consequence: intron variant.
Genome position (GRCh38, 1-based): chr17:61,744,609, A>G on the plus strand (T>C on the coding strand, the complement: BRIP1 is on the minus strand). VCF-style: chr17-61744609-A-G. GRCh37 (hg19) VCF-style: chr17-59821970-A-G.
Identifiers: ClinVar variation 3379320 (VCV003379320.3).